The following is an entry in ClinVar:

ClinVar aggregate classification (germline): Uncertain significance (1 of 4 stars; one submission).

gnomAD v4.1: 3 of 1,614,200 alleles (0.00019%); highest among the groups gnomAD compares: South Asian, 0.0011%; no homozygotes.

Submission:

Ambry Genetics
Classification: Uncertain significance. Last evaluated: 2025-05-24. Review status: criteria provided, single submitter. Criteria: Ambry Variant Classification Scheme 2023. Collection method: clinical testing. Allele origin: germline.
Comment: The p.F559Y variant (also known as c.1676T>A), located in coding exon 10 of the GALNT12 gene, results from a T to A substitution at nucleotide position 1676. The phenylalanine at codon 559 is replaced by tyrosine, an amino acid with highly similar properties. This amino acid position is conserved. In addition, this alteration is predicted to be tolerated by in silico analysis. Since supporting evidence is limited at this time, the clinical significance of this alteration remains unclear.

NM_024642.5(GALNT12):c.1676T>A (p.Phe559Tyr)

Gene: GALNT12 (polypeptide N-acetylgalactosaminyltransferase 12; plus strand). Cytogenetic location: 9q22.33.
Variant type: single nucleotide variant.
Coding change: c.1676T>A on transcript NM_024642.5 (MANE Select); coding-DNA position 1676, T replaced by A.
Protein change: p.Phe559Tyr; replaces phenylalanine 559 with tyrosine.
Molecular consequence: missense variant.
Genome position (GRCh38, 1-based): chr9:98,849,022, T>A. VCF-style: chr9-98849022-T-A. GRCh37 (hg19) VCF-style: chr9-101611304-T-A.
Other names: short protein forms F559Y.
Identifiers: ClinVar variation 2451785 (VCV002451785.3), dbSNP rs985361459, ClinGen allele CA374223090.
Genomic context (GRCh38, chr9:98,849,022, plus strand): 5'-TATTTCACGAACAGTCCAAGAAATGTGTCCAGGCTGCGAGGAAGGAGTCGAGTGACAGTT[T>A]CGTTCCACTCTTACGAGACTGCACCAACTCGGATCATCAGAAATGGTTCTTCAAAGAGCG-3'
Protein context (NP_078918.3, residues 549-569): QAARKESSDS[Phe559Tyr]VPLLRDCTNS